The following is an entry in ClinVar:

NM_001101426.4(CRPPA):c.836-9del

Gene: CRPPA (CDP-L-ribitol pyrophosphorylase A; minus strand). Cytogenetic location: 7p21.2.
Variant type: Deletion.
Coding change: c.836-9del on transcript NM_001101426.4 (MANE Select); 9 bases into the intron before coding-DNA position 836, one base deleted (T; older notation c.836-9delT).
Molecular consequence: intron variant.
Genome position (GRCh38, 1-based): chr7:16,278,235, A deleted on the plus strand (T on the coding strand, the reverse complement: CRPPA is on the minus strand); the first of 11 consecutive A bases (chr7:16,278,235-16,278,245); deleting any one gives the same sequence. VCF-style (leftmost placement, unchanged base first): chr7-16278234-TA-T. GRCh37 (hg19) VCF-style: chr7-16317859-TA-T.
Other names: p.?; c.686-9del (NM_001101417.4); c.731-9del (NM_001368197.1).
Identifiers: ClinVar variation 359585 (VCV000359585.17), dbSNP rs3839757, ClinGen allele CA4169469.

ClinVar aggregate classification (germline): Benign/Likely benign. Review status: criteria provided, multiple submitters, no conflicts (2 of 4 stars). 4 submissions from 4 submitters: Benign (2); Likely benign (2). Last evaluated 2025-09-28.

Conditions:
Muscular dystrophy-dystroglycanopathy (congenital with brain and eye anomalies), type A, 7. Also called: WALKER-WARBURG SYNDROME OR MUSCLE-EYE-BRAIN DISEASE, ISPD-RELATED; Congenital muscular dystrophy-dystroglycanopathy with brain and eye anomalies, type A7. Identifiers: Orphanet 899, MedGen C3553330, MONDO:0013835, OMIM 614643.
Autosomal recessive limb-girdle muscular dystrophy type 2U. Also called: Muscular dystrophy-dystroglycanopathy (limb-girdle), type c, 7; MUSCULAR DYSTROPHY, LIMB-GIRDLE, TYPE 2U. Identifiers: Orphanet 352479, MedGen C5190987, MONDO:0014474, OMIM 616052.

Submissions (4):

Labcorp Genetics (formerly Invitae), Labcorp
Classification: Benign for Muscular dystrophy-dystroglycanopathy (congenital with brain and eye anomalies), type A, 7; Autosomal recessive limb-girdle muscular dystrophy type 2U. Last evaluated: 2025-09-28. Review status: criteria provided, single submitter. Criteria: Invitae Variant Classification Sherloc (09022015). Collection method: clinical testing. Allele origin: germline.

Athena Diagnostics
Classification: Likely benign. Last evaluated: 2025-09-08. Review status: criteria provided, single submitter. Criteria: Athena Diagnostics Criteria. Collection method: clinical testing. Allele origin: unknown.
Comment: The frequency of this variant in the general population is higher than would generally be expected for pathogenic variants in this gene. Computational tools yielded predictions that this variant is unlikely to have an effect on normal RNA splicing.

Blueprint Genetics
Classification: Likely benign. Last evaluated: 2024-11-27. Review status: criteria provided, single submitter. Criteria: ACMG Guidelines, 2015. Collection method: clinical testing. Allele origin: germline.

Mayo Clinic Laboratories, Mayo Clinic
Classification: Benign. Last evaluated: 2019-01-03. Review status: criteria provided, single submitter. Criteria: ACMG Guidelines, 2015. Collection method: clinical testing. Allele origin: germline. Observed: 13 variant alleles.